The following is an entry in ClinVar:

ClinVar aggregate classification (germline): Benign/Likely benign. Review status: criteria provided, multiple submitters, no conflicts (2 of 4 stars). 6 submissions from 6 submitters: Benign (3); Likely benign (3). Last evaluated 2025-10-08.

Conditions:
Hereditary cancer-predisposing syndrome. Also called: Hereditary Cancer Syndrome; Neoplastic Syndromes, Hereditary; Hereditary neoplastic syndrome; Tumor predisposition. Identifiers: Orphanet 140162, MedGen C0027672, MeSH D009386, MONDO:0015356.
Tuberous sclerosis 1 (TSC1). Identifiers: Orphanet 805, MedGen C1854465, MONDO:0008612, OMIM 191100.

Allele frequency attached by ClinVar (database versions not stated): gnomAD exomes below 0.00001.
gnomAD v4.1: 2 of 1,613,906 alleles (0.00012%); highest among the groups gnomAD compares: Admixed American, 0.0033%; no homozygotes.

Submissions (6):

Labcorp Genetics (formerly Invitae), Labcorp
Classification: Likely benign for Tuberous sclerosis 1. Last evaluated: 2025-10-08. Review status: criteria provided, single submitter. Criteria: Invitae Variant Classification Sherloc (09022015). Collection method: clinical testing. Allele origin: germline.

Myriad Genetics, Inc.
Classification: Benign for Tuberous sclerosis 1. Last evaluated: 2025-04-29. Review status: criteria provided, single submitter. Criteria: Myriad Autosomal Dominant, Autosomal Recessive and X-Linked Classification Criteria (2023). Collection method: clinical testing. Allele origin: unknown.
Comment: This variant is considered benign. This variant is a silent/synonymous amino acid change and it is not expected to impact splicing.

Sema4
Classification: Likely benign for Hereditary cancer-predisposing syndrome. Last evaluated: 2022-02-22. Review status: criteria provided, single submitter. Criteria: Sema4 Curation Guidelines. Collection method: curation. Allele origin: germline.

Genome-Nilou Lab
Classification: Benign for Tuberous sclerosis 1. Last evaluated: 2021-11-07. Review status: criteria provided, single submitter. Criteria: ACMG Guidelines, 2015. Collection method: clinical testing. Allele origin: germline. Affected: no.

Ambry Genetics
Classification: Likely benign for Hereditary cancer-predisposing syndrome. Last evaluated: 2018-12-14. Review status: criteria provided, single submitter. Criteria: Ambry Variant Classification Scheme 2023. Collection method: clinical testing. Allele origin: germline.

GeneDx
Classification: Benign. Last evaluated: 2015-09-17. Review status: criteria provided, single submitter. Criteria: GeneDx Variant Classification Process June 2021. Collection method: clinical testing. Allele origin: germline. Affected: yes.

NM_000368.5(TSC1):c.2748G>C (p.Leu916=)

Gene: TSC1 (TSC complex subunit 1; minus strand). Cytogenetic location: 9q34.13.
Variant type: single nucleotide variant.
Coding change: c.2748G>C on transcript NM_000368.5 (MANE Select); coding-DNA position 2748, G replaced by C.
Protein change: p.Leu916=; no amino-acid change (leucine 916 retained).
Molecular consequence: synonymous variant.
Genome position (GRCh38, 1-based): chr9:132,897,488, C>G on the plus strand (G>C on the coding strand, the complement: TSC1 is on the minus strand). VCF-style: chr9-132897488-C-G. GRCh37 (hg19) VCF-style: chr9-135772875-C-G.
Other names: c.2745G>C, p.Leu915= (NM_001162426.2); c.2595G>C, p.Leu865= (NM_001162427.2); c.2385G>C, p.Leu795= (NM_001362177.2).
Identifiers: ClinVar variation 821753 (VCV000821753.19), dbSNP rs1588290553, ClinGen allele CA467812800.